The following is an entry in ClinVar:

NM_003839.4(TNFRSF11A):c.1801_1815del (p.Pro601_Ser605del)

Gene: TNFRSF11A (TNF receptor superfamily member 11a; plus strand). Cytogenetic location: 18q21.33.
Variant type: Deletion.
Coding change: c.1801_1815del on transcript NM_003839.4 (MANE Select); coding-DNA positions 1801 to 1815, 15 bases deleted (CCGGAGAAGGCCTCG).
Protein change: p.Pro601_Ser605del.
Molecular consequence: inframe deletion. On other transcripts: 3 prime UTR variant (1).
Genome position (GRCh38, 1-based): chr18:62,384,984-62,384,998, CCGGAGAAGGCCTCG deleted; deleting any 15 consecutive bases within chr18:62,384,983-62,384,998 gives the same sequence; the c. name uses the placement nearest the transcript's 3' end. VCF-style (leftmost placement, unchanged base first): chr18-62384982-AGCCGGAGAAGGCCTC-A. GRCh37 (hg19) VCF-style: chr18-60052215-AGCCGGAGAAGGCCTC-A.
Other names: c.*225_*239del (NM_001270949.2); c.964_978del, p.Pro322_Ser326del (NM_001270950.2); c.850_864del, p.Pro284_Ser288del (NM_001270951.2); c.1759_1773del, p.Pro587_Ser591del (NM_001278268.2).
Identifiers: ClinVar variation 1372867 (VCV001372867.6), dbSNP rs2145406366, ClinGen allele CA2573155509.

ClinVar aggregate classification (germline): Uncertain significance (1 of 4 stars; one submission).

Submission:

Labcorp Genetics (formerly Invitae), Labcorp
Classification: Uncertain significance. Last evaluated: 2021-10-12. Review status: criteria provided, single submitter. Criteria: Invitae Variant Classification Sherloc (09022015). Collection method: clinical testing. Allele origin: germline.
Comment: In summary, the available evidence is currently insufficient to determine the role of this variant in disease. Therefore, it has been classified as a Variant of Uncertain Significance. Experimental studies and prediction algorithms are not available or were not evaluated, and the functional significance of this variant is currently unknown. This variant has not been reported in the literature in individuals affected with TNFRSF11A-related conditions. The frequency data for this variant in the population databases is considered unreliable, as metrics indicate insufficient coverage at this position in the ExAC database. This variant, c.1801_1815del, results in the deletion of 5 amino acid(s) of the TNFRSF11A protein (p.Pro601_Ser605del), but otherwise preserves the integrity of the reading frame.